The following is an entry in ClinVar:

NM_024747.6(HPS6):c.512G>T (p.Ser171Ile)

Gene: HPS6 (HPS6 biogenesis of lysosomal organelles complex 2 subunit 3; plus strand). Cytogenetic location: 10q24.32.
Variant type: single nucleotide variant.
Coding change: c.512G>T on transcript NM_024747.6 (MANE Select); coding-DNA position 512, G replaced by T.
Protein change: p.Ser171Ile; replaces serine 171 with isoleucine.
Molecular consequence: missense variant.
Genome position (GRCh38, 1-based): chr10:102,065,986, G>T. VCF-style: chr10-102065986-G-T. GRCh37 (hg19) VCF-style: chr10-103825743-G-T.
Other names: p.Ser171Ile; c.512G>T (NM_024747.5); short protein forms S171I.
Identifiers: ClinVar variation 1384363 (VCV001384363.6), dbSNP rs202026453, ClinGen allele CA5659793.

ClinVar aggregate classification (germline): Uncertain significance. Review status: criteria provided, multiple submitters, no conflicts (2 of 4 stars). 4 submissions from 4 submitters: Uncertain significance (4). Last evaluated 2025-08-20.

Conditions:
HPS6-related disorder. Also called: HPS6-related condition.
Inborn genetic diseases. Identifiers: MedGen C0950123, MeSH D030342.

Allele frequency attached by ClinVar (database versions not stated): 1000 Genomes Project 30x 0.00016; ESP Exome Variant Server 0.00023.
gnomAD v4.1: 59 of 1,600,508 alleles (0.0037%); highest among the groups gnomAD compares: African/African-American, 0.056%; no homozygotes.

Submissions (4):

PreventionGenetics, part of Exact Sciences
Classification: Uncertain significance for HPS6-related condition. Last evaluated: 2025-08-20. Review status: criteria provided, single submitter. Criteria: ACMG Guidelines, 2015. Collection method: clinical testing. Allele origin: germline.
Comment: The HPS6 c.512G>T variant is predicted to result in the amino acid substitution p.Ser171Ile. To our knowledge, this variant has not been reported in the literature. This variant is reported in 0.082% of alleles in individuals of African descent in gnomAD. Although we suspect that this variant may be benign, at this time, the clinical significance of this variant is uncertain due to the absence of conclusive functional and genetic evidence.

Mayo Clinic Laboratories, Mayo Clinic
Classification: Uncertain significance. Last evaluated: 2025-01-10. Review status: criteria provided, single submitter. Criteria: ACMG Guidelines, 2015. Collection method: clinical testing. Allele origin: germline. Observed: 1 variant allele.
Comment: BP4_moderate

Labcorp Genetics (formerly Invitae), Labcorp
Classification: Uncertain significance. Last evaluated: 2022-08-19. Review status: criteria provided, single submitter. Criteria: Invitae Variant Classification Sherloc (09022015). Collection method: clinical testing. Allele origin: germline.
Comment: This sequence change replaces serine, which is neutral and polar, with isoleucine, which is neutral and non-polar, at codon 171 of the HPS6 protein (p.Ser171Ile). This variant is present in population databases (rs202026453, gnomAD 0.09%). This variant has not been reported in the literature in individuals affected with HPS6-related conditions. ClinVar contains an entry for this variant (Variation ID: 1384363). Algorithms developed to predict the effect of missense changes on protein structure and function (SIFT, PolyPhen-2, Align-GVGD) all suggest that this variant is likely to be tolerated. In summary, the available evidence is currently insufficient to determine the role of this variant in disease. Therefore, it has been classified as a Variant of Uncertain Significance.

Ambry Genetics
Classification: Uncertain significance for Inborn genetic diseases. Last evaluated: 2021-07-09. Review status: criteria provided, single submitter. Criteria: Ambry Variant Classification Scheme 2023. Collection method: clinical testing. Allele origin: germline.